The following is an entry in ClinVar:

NM_001242.5(CD27):c.630C>A (p.Phe210Leu)

Genes: CD27-AS1 (CD27 antisense RNA 1; minus strand), CD27 (CD27 molecule; plus strand), LOC130007242 (ATAC-STARR-seq lymphoblastoid active region 5859; plus strand). Cytogenetic location: 12p13.31.
Variant type: single nucleotide variant.
Coding change: c.630C>A on transcript NM_001242.5 (MANE Select); coding-DNA position 630, C replaced by A.
Protein change: p.Phe210Leu; replaces phenylalanine 210 with leucine.
Molecular consequence: missense variant. On other transcripts: non-coding transcript variant (5).
Genome position (GRCh38, 1-based): chr12:6,450,986, C>A. VCF-style: chr12-6450986-C-A. GRCh37 (hg19) VCF-style: chr12-6560152-C-A.
Other names: c.723C>A, p.Phe241Leu (NM_001413263.1); c.603C>A, p.Phe201Leu (NM_001413264.1); c.450C>A, p.Phe150Leu (NM_001413265.1); c.180C>A, p.Phe60Leu (NM_001413266.1, NM_001413267.1, NM_001413268.1); short protein forms F150L, F241L, F60L, F201L, F210L.
Identifiers: ClinVar variation 3663590 (VCV003663590.2).

ClinVar aggregate classification (germline): Uncertain significance (1 of 4 stars; one submission).

Conditions:
Lymphoproliferative syndrome 2 (LPFS2). Also called: CD27 DEFICIENCY; Combined immunodeficiency due to CD27 deficiency. Identifiers: Orphanet 238505, MedGen C3554540, MONDO:0014054, OMIM 615122.

gnomAD v4.1: 1 of 1,614,116 alleles (0.000062%); highest among the groups gnomAD compares: Non-Finnish European, 0.000085%; no homozygotes.

Submission:

Labcorp Genetics (formerly Invitae), Labcorp
Classification: Uncertain significance for Lymphoproliferative syndrome 2. Last evaluated: 2024-11-29. Review status: criteria provided, single submitter. Criteria: Invitae Variant Classification Sherloc (09022015). Collection method: clinical testing. Allele origin: germline.
Comment: This sequence change replaces phenylalanine, which is neutral and non-polar, with leucine, which is neutral and non-polar, at codon 210 of the CD27 protein (p.Phe210Leu). This variant is not present in population databases (gnomAD no frequency). This variant has not been reported in the literature in individuals affected with CD27-related conditions. Invitae Evidence Modeling of protein sequence and biophysical properties (such as structural, functional, and spatial information, amino acid conservation, physicochemical variation, residue mobility, and thermodynamic stability) indicates that this missense variant is not expected to disrupt CD27 protein function with a negative predictive value of 80%. In summary, the available evidence is currently insufficient to determine the role of this variant in disease. Therefore, it has been classified as a Variant of Uncertain Significance.